The following is an entry in ClinVar:

NM_001009944.3(PKD1):c.11344G>T (p.Asp3782Tyr)

Genes: PKD1 (polycystin 1, transient receptor potential channel interacting; minus strand), PKD1-AS1 (PKD1 antisense RNA 1; plus strand). Cytogenetic location: 16p13.3.
Variant type: single nucleotide variant.
Coding change: c.11344G>T on transcript NM_001009944.3 (MANE Select); coding-DNA position 11344, G replaced by T.
Protein change: p.Asp3782Tyr; replaces aspartic acid 3782 with tyrosine.
Molecular consequence: missense variant.
Genome position (GRCh38, 1-based): chr16:2,092,114, C>A on the plus strand (G>T on the coding strand, the complement: PKD1 is on the minus strand). VCF-style: chr16-2092114-C-A. GRCh37 (hg19) VCF-style: chr16-2142115-C-A.
Other names: c.11341G>T, p.Asp3781Tyr (NM_000296.4); short protein forms D3781Y, D3782Y.
Identifiers: ClinVar variation 3766338 (VCV003766338.1).

ClinVar aggregate classification (germline): Uncertain significance (1 of 4 stars; one submission).

gnomAD v4.1: 2 of 1,612,898 alleles (0.00012%); highest among the groups gnomAD compares: Non-Finnish European, 0.00017%; no homozygotes.

Submission:

GeneDx
Classification: Uncertain significance. Last evaluated: 2024-09-03. Review status: criteria provided, single submitter. Criteria: GeneDx Variant Classification Process June 2021. Collection method: clinical testing. Allele origin: germline. Affected: yes.
Comment: Not observed at significant frequency in large population cohorts (gnomAD); In silico analysis indicates that this missense variant does not alter protein structure/function; Has not been previously published as pathogenic or benign to our knowledge